The following is an entry in ClinVar:

ClinVar aggregate classification (germline): Uncertain significance (1 of 4 stars; one submission).

Submission:

Genetic Services Laboratory, University of Chicago
Classification: Uncertain significance. Last evaluated: 2020-07-09. Review status: criteria provided, single submitter. Criteria: ACMG Guidelines, 2015. Collection method: clinical testing. Allele origin: germline. Affected: no.
Comment: DNA sequence analysis of the ATRX gene demonstrated a sequence change, c.7396G>T, in exon 35 that results in an amino acid change, p.Gly2466Cys. This sequence change does not appear to have been previously described in patients with ATRX-related disorders and has also not been described in the large population databases such as ExAC and gnomAD (dbSNP rs782540364). The p.Gly2466Cys change affects a moderately conserved amino acid residue located in a domain of the ATRX protein that is not known to be functional. In-silico pathogenicity prediction tools (SIFT, PolyPhen2, Align GVGD, REVEL) provide contradictory results for the p.Gly2466Cys substitution. Due to these contrasting evidences and the lack of functional studies, the clinical significance of the p.Gly2466Cys change remains unknown at this time.

NM_000489.6(ATRX):c.7396G>T (p.Gly2466Cys)

Gene: ATRX (ATRX chromatin remodeler; minus strand). Cytogenetic location: Xq21.1.
Variant type: single nucleotide variant.
Coding change: c.7396G>T on transcript NM_000489.6 (MANE Select); coding-DNA position 7396, G replaced by T.
Protein change: p.Gly2466Cys; replaces glycine 2466 with cysteine.
Molecular consequence: missense variant.
Genome position (GRCh38, 1-based): chrX:77,508,434, C>A on the plus strand (G>T on the coding strand, the complement: ATRX is on the minus strand). VCF-style: chrX-77508434-C-A. GRCh37 (hg19) VCF-style: chrX-76763912-C-A.
Other names: c.7282G>T, p.Gly2428Cys (NM_138270.5); short protein forms G2428C, G2466C.
Identifiers: ClinVar variation 1337653 (VCV001337653.4), dbSNP rs782540364, ClinGen allele CA331560034.
Genomic context (GRCh38, chrX:77,508,434, plus strand): 5'-GTCCTGGATTTTTGCTTCTCATTGGGGGTGGTGCACGCTGTAATGGTGGTGGCTGCATAC[C>A]ACCAGCCACTGGCTGATACATTCCTCTCATATCAATCTGCTGGTAGTTAGAAGGATTCAT-3'
Protein context (NP_000480.3, residues 2456-2476): MRGMYQPVAG[Gly2466Cys]MQPPPLQRAP